The following is an entry in ClinVar:

NM_001034853.2(RPGR):c.823G>T (p.Gly275Cys)

Gene: RPGR (retinitis pigmentosa GTPase regulator; minus strand). Cytogenetic location: Xp11.4.
Variant type: single nucleotide variant.
Coding change: c.823G>T on transcript NM_001034853.2 (MANE Select); coding-DNA position 823, G replaced by T.
Protein change: p.Gly275Cys; replaces glycine 275 with cysteine.
Molecular consequence: missense variant. On other transcripts: non-coding transcript variant (5).
Genome position (GRCh38, 1-based): chrX:38,304,746, C>A on the plus strand (G>T on the coding strand, the complement: RPGR is on the minus strand). VCF-style: chrX-38304746-C-A. GRCh37 (hg19) VCF-style: chrX-38163999-C-A.
Other names: NM_001034853.2(RPGR):c.823G>T; p.Gly275Cys; c.823G>T, p.Gly275Cys (NM_000328.3, NM_001367246.1, NM_001367247.1 and 1 more transcripts); c.820G>T, p.Gly274Cys (NM_001367245.1, NM_001367249.1, NM_001367250.1); c.853G>T, p.Gly285Cys (NM_001367248.1); short protein forms G275C, G285C, G274C.
Identifiers: ClinVar variation 2118600 (VCV002118600.5), dbSNP rs62642057, ClinGen allele CA412741594.

ClinVar aggregate classification (germline): Likely pathogenic. Review status: reviewed by expert panel (3 of 4 stars). 2 submissions from 2 submitters: Likely pathogenic (1). 1 of the submissions does not count toward it. Last evaluated 2025-09-07.

Conditions:
Primary ciliary dyskinesia. Also called: Ciliary dyskinesia. Identifiers: Orphanet 244, MedGen C0008780, MONDO:0016575, HP:0012265.
RPGR-related retinopathy. Also called: RPGR retinopathy. Identifiers: MedGen CN305589, MONDO:0100437.

Submissions (2):

ClinGen X-linked Inherited Retinal Disease Variant Curation Expert Panel, ClinGen
Classification: Likely pathogenic for RPGR-related retinopathy. Last evaluated: 2025-09-07. Review status: reviewed by expert panel. Criteria: ClinGen X LinkedIRD ACMG Specifications RPGR V1.0.0. Collection method: curation. Allele origin: germline. Inheritance: X-linked inheritance.
Comment: NM_001034853.2(RPGR):c.823G>T (p.Gly275Cys) is a missense variant causing substitution of glycine by cysteine at amino acid 275. Another missense variant in the same codon, NM_001034853.2:c.823G>A (p.Gly275Ser) (PMID: 17480003, PMID: 31456290, PMID: 17724181, PMID: 16969763, PMID: 8817343), has been classified as pathogenic for RPGR-related retinopathy by the ClinGen X-linked IRD VCEP, while no benign missense variants have been identified in this codon. The present variant has a higher Grantham’s distance (159) than the comparison variant (56), and SpliceAI has been used to confirm that neither variant has a predicted impact on RPGR splicing (PM5_Supporting). This variant is absent from gnomAD v4.1.0 (PM2_Supporting). This variant has been reported in at least 2 apparently unrelated probands diagnosed with retinitis pigmenosa (PMID: 37217489). However, neither individual meets one of the PS4 requirements of some functional vision impairment in affected males by age 30 years, or decreased or absent electroretinogram responses, so PS4_Supporting was not met. The computational predictor REVEL gives a score of 0.968, which is above the ClinGen X-linked IRD VCEP threshold of ≥0.932 and predicts a damaging effect on RPGR function (PP3_Strong). In summary, this variant is classified as likely pathogenic for RPGR-related retinopathy based on the ClinGen X-linked Inherited Retinal Disease Expert Panel Specifications to the ACMG/AMP Variant Interpretation Guidelines for RPGR Version 1.0.0; PM2_Supporting, PM5_Supporting, and PP3_Strong.

Labcorp Genetics (formerly Invitae), Labcorp
Classification: Pathogenic for Primary ciliary dyskinesia. Last evaluated: 2024-11-11. Review status: criteria provided, single submitter. Criteria: Invitae Variant Classification Sherloc (09022015). Collection method: clinical testing. Allele origin: germline. Not counted in ClinVar's aggregate classification.
Comment: This sequence change replaces glycine, which is neutral and non-polar, with cysteine, which is neutral and slightly polar, at codon 275 of the RPGR protein (p.Gly275Cys). This variant is not present in population databases (gnomAD no frequency). This missense change has been observed in individuals with clinical features of retinitis pigmentosa (internal data). ClinVar contains an entry for this variant (Variation ID: 2118600). Invitae Evidence Modeling of protein sequence and biophysical properties (such as structural, functional, and spatial information, amino acid conservation, physicochemical variation, residue mobility, and thermodynamic stability) indicates that this missense variant is expected to disrupt RPGR protein function with a positive predictive value of 95%. This variant disrupts the p.Gly275 amino acid residue in RPGR. Other variant(s) that disrupt this residue have been determined to be pathogenic (PMID: 8817343, 16969763, 17724181, 31456290). This suggests that this residue is clinically significant, and that variants that disrupt this residue are likely to be disease-causing. For these reasons, this variant has been classified as Pathogenic.

Literature cited by the submitters: PubMed 8817343 (cited by Labcorp Genetics (formerly Invitae), Labcorp); PubMed 16969763 (cited by Labcorp Genetics (formerly Invitae), Labcorp); PubMed 17724181 (cited by Labcorp Genetics (formerly Invitae), Labcorp); PubMed 31456290 (cited by Labcorp Genetics (formerly Invitae), Labcorp).